The following is an entry in ClinVar:

NM_152564.5(VPS13B):c.1567A>G (p.Thr523Ala)

Gene: VPS13B (vacuolar protein sorting 13 homolog B; plus strand). Cytogenetic location: 8q22.2.
Variant type: single nucleotide variant.
Coding change: c.1567A>G on transcript NM_152564.5 (MANE Select); coding-DNA position 1567, A replaced by G.
Protein change: p.Thr523Ala; replaces threonine 523 with alanine.
Molecular consequence: missense variant.
Genome position (GRCh38, 1-based): chr8:99,136,668, A>G. VCF-style: chr8-99136668-A-G. GRCh37 (hg19) VCF-style: chr8-100148896-A-G.
Other names: c.1567A>G, p.Thr523Ala (NM_015243.3, NM_017890.5); short protein forms T523A.
Identifiers: ClinVar variation 95833 (VCV000095833.8), dbSNP rs146659631, ClinGen allele CA223378.

ClinVar aggregate classification (germline): Uncertain significance. Review status: criteria provided, multiple submitters, no conflicts (2 of 4 stars). 3 submissions from 3 submitters: Uncertain significance (3). Last evaluated 2023-11-07.

Conditions:
Cohen syndrome (COH1). Also called: PEPPER SYNDROME; Cutis verticis gyrata, retinitis pigmentosa, and sensorineural deafness. Identifiers: Orphanet 193, MedGen C0265223, MONDO:0008999, OMIM 216550.

Allele frequency attached by ClinVar (database versions not stated): gnomAD exomes 0.00001 and below 0.00001; ExAC 0.00002; ESP Exome Variant Server 0.00008.
gnomAD v4.1: 3 of 1,613,534 alleles (0.00019%); highest among the groups gnomAD compares: East Asian, 0.0022%; no homozygotes.

Submissions (3):

Labcorp Genetics (formerly Invitae), Labcorp
Classification: Uncertain significance for Cohen syndrome. Last evaluated: 2023-11-07. Review status: criteria provided, single submitter. Criteria: Invitae Variant Classification Sherloc (09022015). Collection method: clinical testing. Allele origin: germline.
Comment: This sequence change replaces threonine, which is neutral and polar, with alanine, which is neutral and non-polar, at codon 523 of the VPS13B protein (p.Thr523Ala). This variant is present in population databases (rs146659631, gnomAD 0.002%). This variant has not been reported in the literature in individuals affected with VPS13B-related conditions. ClinVar contains an entry for this variant (Variation ID: 95833). Advanced modeling of protein sequence and biophysical properties (such as structural, functional, and spatial information, amino acid conservation, physicochemical variation, residue mobility, and thermodynamic stability) performed at Invitae indicates that this missense variant is expected to disrupt VPS13B protein function with a positive predictive value of 80%. In summary, the available evidence is currently insufficient to determine the role of this variant in disease. Therefore, it has been classified as a Variant of Uncertain Significance.

Blueprint Genetics
Classification: Uncertain significance. Last evaluated: 2019-08-12. Review status: criteria provided, single submitter. Criteria: ACMG Guidelines, 2015. Collection method: clinical testing. Allele origin: germline.

Eurofins Ntd Llc (ga)
Classification: Uncertain significance. Last evaluated: 2013-08-13. Review status: criteria provided, single submitter. Criteria: EGL Classification Definitions 2015. Collection method: clinical testing. Allele origin: germline. Observed: 1 variant allele, 1 heterozygote.